The following is an entry in ClinVar:

ClinVar aggregate classification (germline): Benign. Review status: criteria provided, multiple submitters, no conflicts (2 of 4 stars). 3 submissions from 2 submitters: Benign (3). Last evaluated 2018-01-12.

Conditions:
Orofacial cleft 6, susceptibility to (OFC6). Also called: CLEFT LIP WITH OR WITHOUT CLEFT PALATE, NONSYNDROMIC, 6. Identifiers: MedGen C1837213, MONDO:0012141, OMIM 608864.
Van der Woude syndrome 1. Also called: CLEFT LIP AND/OR PALATE WITH MUCOUS CYSTS OF LOWER LIP; van der Woude Syndrome (VWS). Identifiers: MedGen C4551864, MONDO:0007333, OMIM 119300.

Allele frequency attached by ClinVar (database versions not stated): gnomAD exomes 0.11905; gnomAD 0.21988 and 0.22495; TOPMed 0.23943; 1000 Genomes Project 30x 0.29341; 1000 Genomes Project 0.29712.
gnomAD v4.1: 34,160 of 152,132 alleles (22%); highest among the groups gnomAD compares: East Asian, 47%; 4,392 homozygotes.

Submissions (3):

Illumina Laboratory Services, Illumina
Classification: Benign for Van der Woude syndrome 1. Last evaluated: 2018-01-12. Review status: criteria provided, single submitter. Criteria: ICSL Variant Classification Criteria 13 December 2019. Collection method: clinical testing. Allele origin: germline.
Comment: This variant was observed in the ICSL laboratory as part of a predisposition screen in an ostensibly healthy population. It had not been previously curated by ICSL or reported in the Human Gene Mutation Database (HGMD: prior to June 1st, 2018), and was therefore a candidate for classification through an automated scoring system. Utilizing variant allele frequency, disease prevalence and penetrance estimates, and inheritance mode, an automated score was calculated to assess if this variant is too frequent to cause the disease. Based on the score and internal cut-off values, a variant classified as benign is not then subjected to further curation. The score for this variant resulted in a classification of benign for this disease.

Illumina Laboratory Services, Illumina
Classification: Benign for Orofacial cleft 6, susceptibility to. Last evaluated: 2018-01-12. Review status: criteria provided, single submitter. Criteria: ICSL Variant Classification Criteria 13 December 2019. Collection method: clinical testing. Allele origin: germline.
Comment: the same text as in the submission from Illumina Laboratory Services, Illumina above.

Breakthrough Genomics
Classification: Benign. Review status: criteria provided, single submitter. Criteria: ACMG Guidelines, 2015. Collection method: not provided. Allele origin: germline. Inheritance: Autosomal dominant inheritance. Affected: yes.

NM_006147.4(IRF6):c.*840A>G

Gene: IRF6 (interferon regulatory factor 6; minus strand). Cytogenetic location: 1q32.2.
Variant type: single nucleotide variant.
Coding change: c.*840A>G on transcript NM_006147.4 (MANE Select); 840 bases downstream of the stop codon, A replaced by G.
Molecular consequence: 3 prime UTR variant.
Genome position (GRCh38, 1-based): chr1:209,787,580, T>C on the plus strand (A>G on the coding strand, the complement: IRF6 is on the minus strand). VCF-style: chr1-209787580-T-C. GRCh37 (hg19) VCF-style: chr1-209960925-T-C.
Other names: c.*840A>G (NM_001206696.2).
Identifiers: ClinVar variation 295190 (VCV000295190.6), dbSNP rs742214, ClinGen allele CA10609608.
Genomic context (GRCh38, chr1:209,787,580, plus strand): 5'-CAGTCTAGCTCAGAGAAGAAAACAAGAAAAATAGAGCTCTTTCCTCTTAAAGCTAACACC[T>C]GAGTCACATACTGTCACCTACCCCCTCTCCCTGCCGCCCCCCCAACACACACACACTGGT-3'